The following is an entry in ClinVar:

NM_000271.5(NPC1):c.1947+13_1947+14insGGT

Gene: NPC1 (NPC intracellular cholesterol transporter 1; minus strand). Cytogenetic location: 18q11.2.
Variant type: Insertion.
Coding change: c.1947+13_1947+14insGGT on transcript NM_000271.5 (MANE Select); bases 13 to 14 of the intron after coding-DNA position 1947, GGT inserted.
Molecular consequence: intron variant.
Genome position: GRCh38 VCF-style: chr18-23544946-C-CCCA. GRCh37 (hg19) VCF-style: chr18-21124910-C-CCCA.
Other names: p.?; c.1947+13_1947+14insTGG (NM_000271.5).
Identifiers: ClinVar variation 1595400 (VCV001595400.11), dbSNP rs771098370, ClinGen allele CA8913299.

ClinVar aggregate classification (germline): Likely benign. Review status: criteria provided, multiple submitters, no conflicts (2 of 4 stars). 3 submissions from 3 submitters: Likely benign (2). 1 of the submissions does not count toward it. Last evaluated 2026-01-16.

Conditions:
NPC1-related disorder. Also called: NPC1-related condition.
Niemann-Pick disease, type C1. Also called: NEUROVISCERAL STORAGE DISEASE WITH VERTICAL SUPRANUCLEAR OPHTHALMOPLEGIA; NIEMANN-PICK DISEASE WITH CHOLESTEROL ESTERIFICATION BLOCK; NIEMANN-PICK DISEASE WITHOUT SPHINGOMYELINASE DEFICIENCY; NIEMANN-PICK DISEASE, CHRONIC NEURONOPATHIC FORM; NIEMANN-PICK DISEASE, VARIANT TYPE C1. Identifiers: Orphanet 646, MedGen C3179455, MONDO:0009757, OMIM 257220.

Submissions (3):

Labcorp Genetics (formerly Invitae), Labcorp
Classification: Likely benign for Niemann-Pick disease, type C1. Last evaluated: 2026-01-16. Review status: criteria provided, single submitter. Criteria: Invitae Variant Classification Sherloc (09022015). Collection method: clinical testing. Allele origin: germline.

Mayo Clinic Laboratories, Mayo Clinic
Classification: Likely benign. Last evaluated: 2023-07-21. Review status: criteria provided, single submitter. Criteria: ACMG Guidelines, 2015. Collection method: clinical testing. Allele origin: germline. Observed: 1 variant allele.

PreventionGenetics, part of Exact Sciences
Classification: Likely benign for NPC1-related condition. Last evaluated: 2022-07-14. Review status: no assertion criteria provided. Collection method: clinical testing. Allele origin: germline. Not counted in ClinVar's aggregate classification.
Comment: This variant is classified as likely benign based on ACMG/AMP sequence variant interpretation guidelines (Richards et al. 2015 PMID: 25741868, with internal and published modifications).